The following is an entry in ClinVar:

NM_005481.3(MED16):c.2627G>C (p.Arg876Pro)

Gene: MED16 (mediator complex subunit 16; minus strand). Cytogenetic location: 19p13.3.
Variant type: single nucleotide variant.
Coding change: c.2627G>C on transcript NM_005481.3 (MANE Select); coding-DNA position 2627, G replaced by C.
Protein change: p.Arg876Pro; replaces arginine 876 with proline.
Molecular consequence: missense variant.
Genome position (GRCh38, 1-based): chr19:868,108, C>G on the plus strand (G>C on the coding strand, the complement: MED16 is on the minus strand). VCF-style: chr19-868108-C-G. GRCh37 (hg19) VCF-style: chr19-868108-C-G.
Other names: short protein forms R876P.
Identifiers: ClinVar variation 5038525 (VCV005038525.1).

ClinVar aggregate classification (germline): Benign (1 of 4 stars; one submission).

gnomAD v4.1: 14,991 of 1,607,808 alleles (0.93%); highest among the groups gnomAD compares: Middle Eastern, 1.3%; 93 homozygotes.

Submission:

CeGaT Center for Human Genetics Tuebingen
Classification: Benign. Last evaluated: 2026-07-01. Review status: criteria provided, single submitter. Criteria: CeGaT Center For Human Genetics Tuebingen Variant Classification Criteria Version 2. Collection method: clinical testing. Allele origin: germline. Affected: yes. Observed: 1 variant allele.
Comment: MED16: BP4, BS1, BS2